The following is an entry in ClinVar:

NM_001042492.3(NF1):c.3199G>A (p.Asp1067Asn)

Gene: NF1 (neurofibromin 1; plus strand). Cytogenetic location: 17q11.2.
Variant type: single nucleotide variant.
Coding change: c.3199G>A on transcript NM_001042492.3 (MANE Select); coding-DNA position 3199, G replaced by A.
Protein change: p.Asp1067Asn; replaces aspartic acid 1067 with asparagine.
Molecular consequence: missense variant.
Genome position (GRCh38, 1-based): chr17:31,232,074, G>A. VCF-style: chr17-31232074-G-A. GRCh37 (hg19) VCF-style: chr17-29559092-G-A.
Other names: c.3199G>A, p.Asp1067Asn (NM_000267.4); short protein forms D1067N.
Identifiers: ClinVar variation 2824348 (VCV002824348.4), dbSNP rs1597718721, ClinGen allele CA398988512.

ClinVar aggregate classification (germline): Conflicting classifications of pathogenicity. Review status: criteria provided, conflicting classifications (1 of 4 stars). 2 submissions from 2 submitters: Uncertain significance (1); Likely benign (1). Last evaluated 2022-12-26.

Conditions:
Neurofibromatosis, type 1 (NF1). Also called: Neurofibromatosis, type I; NEUROFIBROMATOSIS, TYPE I, SOMATIC; VON RECKLINGHAUSEN DISEASE; Peripheral type neurofibromatosis. Identifiers: Orphanet 636, MedGen C0027831, MONDO:0018975, OMIM 162200. Disease mechanism: loss of function.

Submissions (2):

Labcorp Genetics (formerly Invitae), Labcorp
Classification: Uncertain significance for Neurofibromatosis, type 1. Last evaluated: 2022-12-26. Review status: criteria provided, single submitter. Criteria: Invitae Variant Classification Sherloc (09022015). Collection method: clinical testing. Allele origin: germline.
Comment: This variant has not been reported in the literature in individuals affected with NF1-related conditions. In summary, the available evidence is currently insufficient to determine the role of this variant in disease. Therefore, it has been classified as a Variant of Uncertain Significance. Algorithms developed to predict the effect of missense changes on protein structure and function are either unavailable or do not agree on the potential impact of this missense change (SIFT: "Deleterious"; PolyPhen-2: "Possibly Damaging"; Align-GVGD: "Class C0"). This variant is not present in population databases (gnomAD no frequency). This sequence change replaces aspartic acid, which is acidic and polar, with asparagine, which is neutral and polar, at codon 1067 of the NF1 protein (p.Asp1067Asn).

Blueprint Genetics
Classification: Likely benign. Last evaluated: 2018-03-19. Review status: criteria provided, single submitter. Criteria: ACMG Guidelines, 2015. Collection method: clinical testing. Allele origin: germline.